The following is an entry in ClinVar:

ClinVar aggregate classification (germline): Uncertain significance (1 of 4 stars; one submission).

Submission:

CeGaT Center for Human Genetics Tuebingen
Classification: Uncertain significance. Last evaluated: 2023-03-01. Review status: criteria provided, single submitter. Criteria: CeGaT Center For Human Genetics Tuebingen Variant Classification Criteria Version 2. Collection method: clinical testing. Allele origin: germline. Affected: yes. Observed: 1 variant allele.
Comment: PIK3CD: PM2, PP2, BP4

NM_005026.5(PIK3CD):c.407T>C (p.Val136Ala)

Gene: PIK3CD (phosphatidylinositol-4,5-bisphosphate 3-kinase catalytic subunit delta; plus strand). Cytogenetic location: 1p36.22.
Variant type: single nucleotide variant.
Coding change: c.407T>C on transcript NM_005026.5 (MANE Select); coding-DNA position 407, T replaced by C.
Protein change: p.Val136Ala; replaces valine 136 with alanine.
Molecular consequence: missense variant.
Genome position (GRCh38, 1-based): chr1:9,715,885, T>C. VCF-style: chr1-9715885-T-C. GRCh37 (hg19) VCF-style: chr1-9775943-T-C.
Other names: c.407T>C, p.Val136Ala (NM_001350234.2, NM_001350235.1); short protein forms V136A.
Identifiers: ClinVar variation 2498390 (VCV002498390.28), dbSNP rs2524812567, ClinGen allele CA338300548.